The following is an entry in ClinVar:

NM_000478.6(ALPL):c.283G>A (p.Val95Met)

Gene: ALPL (alkaline phosphatase, biomineralization associated; plus strand). Cytogenetic location: 1p36.12.
Variant type: single nucleotide variant.
Coding change: c.283G>A on transcript NM_000478.6 (MANE Select); coding-DNA position 283, G replaced by A.
Protein change: p.Val95Met; replaces valine 95 with methionine.
Molecular consequence: missense variant. On other transcripts: intron variant (1).
Genome position (GRCh38, 1-based): chr1:21,561,198, G>A. VCF-style: chr1-21561198-G-A. GRCh37 (hg19) VCF-style: chr1-21887691-G-A.
Other names: c.118G>A, p.Val40Met (NM_001127501.4); c.283G>A, p.Val95Met (NM_001369803.2, NM_001369804.2, NM_001369805.2); c.66+453G>A (NM_001177520.3); short protein forms V95M, V40M.
Identifiers: ClinVar variation 427763 (VCV000427763.30), dbSNP rs139811782, ClinGen allele CA666442.

ClinVar aggregate classification (germline): Conflicting classifications of pathogenicity. Review status: criteria provided, conflicting classifications (1 of 4 stars). 13 submissions from 13 submitters: Pathogenic (3); Likely pathogenic (7); Uncertain significance (2). 1 of the submissions does not count toward it. Last evaluated 2026-08-06.

Conditions:
Adult hypophosphatasia. Identifiers: Orphanet 247676, Orphanet 436, MedGen C0268413, MONDO:1010154, OMIM 146300, MONDO:0007798.
Childhood hypophosphatasia. Identifiers: Orphanet 247667, Orphanet 436, MedGen C0220743, MONDO:1010168, OMIM 241510, MONDO:0009428.
Infantile hypophosphatasia. Identifiers: Orphanet 247651, Orphanet 436, MedGen C0268412, MONDO:1010169, OMIM 241500, MONDO:0009427.
Hypophosphatasia. Also called: Phosphoethanol-aminuria. Identifiers: Orphanet 436, MedGen C0020630, MeSH D007014, MONDO:0018570.
ALPL-related disorder. Also called: ALPL-related disorders; ALPL-related condition.
Osteogenesis imperfecta (OI). Identifiers: Orphanet 666, MedGen C0029434, MeSH D010013, MONDO:0019019.
Decreased circulating alkaline phosphatase activity. Identifiers: MedGen C1860130, HP:0003282.

Allele frequency attached by ClinVar (database versions not stated): gnomAD 0.00001 and 0.00002; ExAC 0.00002; gnomAD exomes 0.00002 and 0.00003; TOPMed 0.00004; ESP Exome Variant Server 0.00015.
gnomAD v4.1: 40 of 1,610,548 alleles (0.0025%); highest among the groups gnomAD compares: Middle Eastern, 0.033%; no homozygotes.

Submissions (13):

Myriad Genetics, Inc.
Classification: Uncertain significance for Hypophosphatasia. Last evaluated: 2026-08-06. Review status: criteria provided, single submitter. Criteria: Myriad Autosomal Dominant, Autosomal Recessive and X-Linked Classification Criteria (2023). Collection method: clinical testing. Allele origin: unknown.
Comment: NM_000478.4(ALPL):c.283G>A(V95M) is a missense variant classified as a variant of uncertain significance in the context of hypophosphatasia. V95M has been observed in cases with relevant disease (PMID: 31641588, 33191482, 32879991, 30719581, 34633109, 37600704, 36514157, 37351650). Relevant functional assessments of this variant are available in the literature (PMID: 32160374). V95M has been observed in referenced population frequency databases. In summary, there is insufficient evidence to classify NM_000478.4(ALPL):c.283G>A(V95M) as pathogenic or benign. Please note: this variant was assessed in the context of healthy population screening.

Women's Health and Genetics/Laboratory Corporation of America, LabCorp
Classification: Pathogenic for Hypophosphatasia. Last evaluated: 2026-05-28. Review status: criteria provided, single submitter. Criteria: LabCorp Variant Classification Summary - May 2015. Collection method: clinical testing. Allele origin: germline.
Comment: Variant summary: ALPL c.283G>A (p.Val95Met) results in a conservative amino acid change in the encoded protein sequence. Algorithms developed to predict the effect of missense changes on protein structure and function are either unavailable or do not agree on the potential impact of this missense change. The variant allele was found at a frequency of 3.3e-05 in 242930 control chromosomes (gnomAD). c.283G>A has been observed in multiple individuals affected with Hypophosphatasia, both in heterozygous adult cases and at least one compound heterozygous infantile case (e.g. Rauch_2019, Yokoi_2019, Rush_2022, Calmarza_2023, Cinque_2023). These data indicate that the variant is very likely to be associated with disease. At least one publication reports experimental evidence evaluating an impact on protein function. The most pronounced variant effect results in >50%-90% of normal activity (Del Angel_2020). The following publications have been ascertained in the context of this evaluation (PMID: 30719581, 31641588, 32160374, 37351650, 34633109, 37600704). ClinVar contains an entry for this variant (Variation ID: 427763). Based on the evidence outlined above, the variant was classified as pathogenic for autosomal dominant hypophosphatasia and autosomal recessive hypophosphatasia.

Labcorp Genetics (formerly Invitae), Labcorp
Classification: Pathogenic. Last evaluated: 2025-11-09. Review status: criteria provided, single submitter. Criteria: Invitae Variant Classification Sherloc (09022015). Collection method: clinical testing. Allele origin: germline.
Comment: This sequence change replaces valine, which is neutral and non-polar, with methionine, which is neutral and non-polar, at codon 95 of the ALPL protein (p.Val95Met). This variant is present in population databases (rs139811782, gnomAD 0.01%). This missense change has been observed in individual(s) with hypophosphatasia (PMID: 30719581, 31641588). In at least one individual the data is consistent with being in trans (on the opposite chromosome) from a pathogenic variant. ClinVar contains an entry for this variant (Variation ID: 427763). Invitae Evidence Modeling of protein sequence and biophysical properties (such as structural, functional, and spatial information, amino acid conservation, physicochemical variation, residue mobility, and thermodynamic stability) indicates that this missense variant is expected to disrupt ALPL protein function with a positive predictive value of 95%. Experimental studies have shown that this missense change affects ALPL function (PMID: 32160374). For these reasons, this variant has been classified as Pathogenic.

Genomenon, Inc
Classification: Likely pathogenic for Hypophosphatasia. Last evaluated: 2025-08-29. Review status: criteria provided, single submitter. Criteria: Genomenon Sequence Variant Interpretation Standards. Collection method: curation. Allele origin: germline. Affected: yes.
Comment: ALPL c.283G>A is a missense variant that changes the amino acid at residue 95 from Valine to Methionine. This variant has been observed in at least one proband affected with hypophosphatasia (PMID:30719581;37600704;36514157;33191482;31641588). The variant was found to segregate with disease in at least one affected family (PMID:37600704). Functional studies have been reported;however, the significance of the findings remain unclear (PMID:32160374). It is absent or not present at a significant frequency in gnomAD. In silico models agree that this variant is possibly or probably damaging. In conclusion, we classify ALPL p.Val95Met (c.283G>A) as a likely pathogenic variant.

Natera, Inc.
Classification: Likely pathogenic for Hypophosphatasia. Last evaluated: 2025-07-17. Review status: criteria provided, single submitter. Criteria: Natera Variant Classification Schema (03/2026). Collection method: clinical testing. Allele origin: germline.
Comment: The c.283G>A variant in ALPL is a missense variant predicted to cause substitution of valine to methionine at amino acid 95. This variant is rare in the general population with a frequency below the threshold expected for the associated phenotype(s). This variant has been observed in one or more individuals affected with the associated recessive disease, as either homozygous or compound heterozygous with a second variant (PMID: 33191482, 31641588). This variant has been identified in one or more affected individuals with a phenotype highly consistent with the associated gene (PMID:33191482). Computational prediction algorithms indicate this variant is likely to affect gene or protein function. Given the available evidence, this variant is classified as Likely Pathogenic.

Blueprint Genetics
Classification: Likely pathogenic for ALPL-related disorders. Last evaluated: 2024-05-14. Review status: criteria provided, single submitter. Criteria: ACMG Guidelines, 2015. Collection method: clinical testing. Allele origin: germline. Affected: yes. Observed: 5 variant alleles.

Baylor Genetics
Classification: Likely pathogenic for Adult hypophosphatasia. Last evaluated: 2024-03-20. Review status: criteria provided, single submitter. Criteria: ACMG Guidelines, 2015. Collection method: clinical testing. Allele origin: unknown.

Laboratory of Medical Genetics, National & Kapodistrian University of Athens
Classification: Pathogenic for Infantile hypophosphatasia. Last evaluated: 2024-02-01. Review status: criteria provided, single submitter. Criteria: ACMG Guidelines, 2015. Collection method: curation. Allele origin: germline. Affected: no.

Genome Diagnostics Laboratory, The Hospital for Sick Children
Classification: Uncertain significance for Osteogenesis imperfecta. Last evaluated: 2022-02-28. Review status: criteria provided, single submitter. Criteria: ACMG Guidelines, 2015. Collection method: clinical testing. Allele origin: germline.

Genome-Nilou Lab
Classification: Likely pathogenic for Childhood hypophosphatasia. Last evaluated: 2021-07-22. Review status: criteria provided, single submitter. Criteria: ACMG Guidelines, 2015. Collection method: clinical testing. Allele origin: germline. Affected: no.

Fulgent Genetics
Classification: Likely pathogenic for Adult hypophosphatasia; Infantile hypophosphatasia; Childhood hypophosphatasia. Last evaluated: 2021-06-30. Review status: criteria provided, single submitter. Criteria: ACMG Guidelines, 2015. Collection method: clinical testing. Allele origin: unknown.
Comment: This variant has been detected in individual(s) who were sent for testing of Renasight - kidney gene panel.

Juno Genomics, Hangzhou Juno Genomics, Inc
Classification: Likely pathogenic for Adult hypophosphatasia; Childhood hypophosphatasia; Infantile hypophosphatasia. Review status: criteria provided, single submitter. Criteria: ACMG Guidelines, 2015. Collection method: clinical testing. Allele origin: germline.
Comment: Absent from controls (or at extremely low frequency if recessive) in Genome Aggregation Database.;Multiple lines of computational evidence support a deleterious effect on the gene or gene product.;The prevalence of the variant in affected individuals is significantly increased compared to the prevalence in controls.;For recessive disorders, detected in trans with a pathogenic variant.;Patient's phenotype or family history is highly specific for a disease with a single genetic etiology.

Institute of Human Genetics, University of Wuerzburg
Classification: Likely pathogenic for Decreased circulating alkaline phosphatase activity. Review status: no assertion criteria provided. Collection method: clinical testing. Allele origin: unknown. Not counted in ClinVar's aggregate classification.

Literature cited by the submitters: PubMed 30719581 (cited by 4 submitters); PubMed 31641588 (cited by 5 submitters); PubMed 32160374 (cited by 4 submitters); PubMed 32879991 (cited by Myriad Genetics, Inc.); PubMed 33191482 (cited by 3 submitters); PubMed 34633109 (cited by Myriad Genetics, Inc. and Women's Health and Genetics/Laboratory Corporation of America, LabCorp); PubMed 36514157 (cited by Myriad Genetics, Inc. and Genomenon, Inc); PubMed 37351650 (cited by Myriad Genetics, Inc. and Women's Health and Genetics/Laboratory Corporation of America, LabCorp); PubMed 37600704 (cited by 3 submitters).